The following is an entry in ClinVar:

ClinVar aggregate classification (germline): Conflicting classifications of pathogenicity. Review status: criteria provided, conflicting classifications (1 of 4 stars). 3 submissions from 3 submitters: Uncertain significance (1); Likely benign (1). 1 of the submissions does not count toward it. Last evaluated 2025-12-15.

Conditions:
FBN3-related disorder. Also called: FBN3-related condition.

Allele frequency attached by ClinVar (database versions not stated): 1000 Genomes Project 0.00080; 1000 Genomes Project 30x 0.00094; ESP Exome Variant Server 0.00169.

Submissions (3):

Labcorp Genetics (formerly Invitae), Labcorp
Classification: Likely benign. Last evaluated: 2025-12-15. Review status: criteria provided, single submitter. Criteria: Invitae Variant Classification Sherloc (09022015). Collection method: clinical testing. Allele origin: germline.

Ambry Genetics
Classification: Uncertain significance. Last evaluated: 2025-08-14. Review status: criteria provided, single submitter. Criteria: Ambry Variant Classification Scheme 2023. Collection method: clinical testing. Allele origin: germline.

PreventionGenetics, part of Exact Sciences
Classification: Likely benign for FBN3-related condition. Last evaluated: 2020-01-29. Review status: no assertion criteria provided. Collection method: clinical testing. Allele origin: germline. Not counted in ClinVar's aggregate classification.
Comment: This variant is classified as likely benign based on ACMG/AMP sequence variant interpretation guidelines (Richards et al. 2015 PMID: 25741868, with internal and published modifications).

NM_032447.5(FBN3):c.1238G>A (p.Arg413Gln)

Gene: FBN3 (fibrillin 3; minus strand). Cytogenetic location: 19p13.2.
Variant type: single nucleotide variant.
Coding change: c.1238G>A on transcript NM_032447.5 (MANE Select); coding-DNA position 1238, G replaced by A.
Protein change: p.Arg413Gln; replaces arginine 413 with glutamine.
Molecular consequence: missense variant.
Genome position (GRCh38, 1-based): chr19:8,136,495, C>T on the plus strand (G>A on the coding strand, the complement: FBN3 is on the minus strand). VCF-style: chr19-8136495-C-T. GRCh37 (hg19) VCF-style: chr19-8201379-C-T.
Other names: c.1238G>A, p.Arg413Gln (NM_001321431.2); c.1238G>A (NM_032447.3, NM_001321431.1); short protein forms R413Q.
Identifiers: ClinVar variation 1597414 (VCV001597414.11), dbSNP rs116520950, ClinGen allele CA9153413.
Genomic context (GRCh38, chr19:8,136,495, plus strand): 5'-CAGCGGTAGCTGGAAGGCGTGGGCAGGCAGCGGCCATTCAGACACAGGTTGGTGAAGTGT[C>T]GGCAGATGTCAATGGTCTGGTTCAGGGTAGCAGTGCCTACGGGTGGGGCCGGCAGAGGCA-3'
Protein context (NP_115823.3, residues 403-423): ATLNQTIDIC[Arg413Gln]HFTNLCLNGR